The following is an entry in ClinVar:

NM_005159.5(ACTC1):c.808+185A>G

Genes: ACTC1 (actin alpha cardiac muscle 1; minus strand), GJD2-DT (GJD2 divergent transcript; plus strand). Cytogenetic location: 15q14.
Variant type: single nucleotide variant.
Coding change: c.808+185A>G on transcript NM_005159.5 (MANE Select); 185 bases into the intron after coding-DNA position 808, A replaced by G.
Molecular consequence: intron variant.
Genome position (GRCh38, 1-based): chr15:34,791,905, T>C on the plus strand (A>G on the coding strand, the complement: ACTC1 is on the minus strand). VCF-style: chr15-34791905-T-C. GRCh37 (hg19) VCF-style: chr15-35084106-T-C.
Identifiers: ClinVar variation 675627 (VCV000675627.2), dbSNP rs3729757, ClinGen allele CA268661711.

ClinVar aggregate classification (germline): Benign. Review status: criteria provided, multiple submitters, no conflicts (2 of 4 stars). 2 submissions from 2 submitters: Benign (2). Last evaluated 2018-06-16.

Allele frequency attached by ClinVar (database versions not stated): gnomAD 0.01703 and 0.01841; TOPMed 0.01961; 1000 Genomes Project 0.02037; 1000 Genomes Project 30x 0.02061.
gnomAD v4.1: 3,829 of 620,240 alleles (0.62%); highest among the groups gnomAD compares: African/African-American, 5.8%; 105 homozygotes.

Submissions (2):

GeneDx
Classification: Benign. Last evaluated: 2018-06-16. Review status: criteria provided, single submitter. Criteria: GeneDx Variant Classification (06012015). Collection method: clinical testing. Allele origin: germline. Affected: yes.
Comment: This variant is considered likely benign or benign based on one or more of the following criteria: it is a conservative change, it occurs at a poorly conserved position in the protein, it is predicted to be benign by multiple in silico algorithms, and/or has population frequency not consistent with disease.

Breakthrough Genomics
Classification: Benign. Review status: criteria provided, single submitter. Criteria: ACMG Guidelines, 2015. Collection method: not provided. Allele origin: germline. Inheritance: Autosomal dominant inheritance. Affected: yes.